The following is an entry in ClinVar:

NM_017780.4(CHD7):c.1365dup (p.Gln456fs)

Gene: CHD7 (chromodomain helicase DNA binding protein 7; plus strand). Cytogenetic location: 8q12.2.
Variant type: Duplication.
Coding change: c.1365dup on transcript NM_017780.4 (MANE Select); coding-DNA position 1365, one base duplicated (G; older notation c.1365dupG).
Protein change: p.Gln456fs; shifts the reading frame from glutamine 456.
Molecular consequence: frameshift variant.
Genome position (GRCh38, 1-based): chr8:60,742,797, G duplicated. VCF-style (leftmost placement, unchanged base first): chr8-60742796-T-TG. GRCh37 (hg19) VCF-style: chr8-61655355-T-TG.
Other names: c.1365dup, p.Gln456fs (NM_001316690.1); short protein forms Q456fs.
Identifiers: ClinVar variation 2698480 (VCV002698480.3), dbSNP rs2487281631, ClinGen allele CA2697549946.

ClinVar aggregate classification (germline): Pathogenic (1 of 4 stars; one submission).

Conditions:
CHARGE syndrome (CHARGE). Also called: Hittner Hirsch Kreh syndrome; CHARGE ASSOCIATION--COLOBOMA, HEART ANOMALY, CHOANAL ATRESIA, RETARDATION, GENITAL AND EAR ANOMALIES; Coloboma, heart anomaly, choanal atresia, retardation, genital and ear anomalies; CHARGE association; Hall-Hittner syndrome. Identifiers: Orphanet 138, MedGen C0265354, MONDO:0008965.

Submission:

Labcorp Genetics (formerly Invitae), Labcorp
Classification: Pathogenic for CHARGE syndrome. Last evaluated: 2023-11-24. Review status: criteria provided, single submitter. Criteria: Invitae Variant Classification Sherloc (09022015). Collection method: clinical testing. Allele origin: germline.
Comment: This sequence change creates a premature translational stop signal (p.Gln456Alafs*119) in the CHD7 gene. It is expected to result in an absent or disrupted protein product. Loss-of-function variants in CHD7 are known to be pathogenic (PMID: 22461308, 25077900). This variant is not present in population databases (gnomAD no frequency). This variant has not been reported in the literature in individuals affected with CHD7-related conditions. For these reasons, this variant has been classified as Pathogenic.

Literature cited by the submitters: PubMed 22461308; PubMed 25077900.